The following is an entry in ClinVar:

ClinVar aggregate classification (germline): Conflicting classifications of pathogenicity. Review status: criteria provided, conflicting classifications (1 of 4 stars). 2 submissions from 2 submitters: Uncertain significance (1); Likely benign (1). Last evaluated 2024-03-08.

Conditions:
Nemaline myopathy 2 (NEM2). Also called: Nemaline myopathy 2, autosomal recessive. Identifiers: MedGen C1850569, MONDO:0009725, OMIM 256030.

Allele frequency attached by ClinVar (database versions not stated): gnomAD exomes below 0.00001; gnomAD 0.00001; TOPMed 0.00001.
gnomAD v4.1: 4 of 1,613,698 alleles (0.00025%); no homozygotes.

Submissions (2):

Labcorp Genetics (formerly Invitae), Labcorp
Classification: Likely benign for Nemaline myopathy 2. Last evaluated: 2024-03-08. Review status: criteria provided, single submitter. Criteria: Invitae Variant Classification Sherloc (09022015). Collection method: clinical testing. Allele origin: germline.

GeneDx
Classification: Uncertain significance. Last evaluated: 2023-04-19. Review status: criteria provided, single submitter. Criteria: GeneDx Variant Classification Process June 2021. Collection method: clinical testing. Allele origin: germline. Affected: yes.
Comment: Not observed at significant frequency in large population cohorts (gnomAD); In silico analysis supports that this variant does not alter splicing; Has not been previously published as pathogenic or benign to our knowledge

NM_001164508.2(NEB):c.5622C>T (p.Asp1874=)

Gene: NEB (nebulin; minus strand). Cytogenetic location: 2q23.3.
Variant type: single nucleotide variant.
Coding change: c.5622C>T on transcript NM_001164508.2 (MANE Select); coding-DNA position 5622, C replaced by T.
Protein change: p.Asp1874=; no amino-acid change (aspartic acid 1874 retained).
Molecular consequence: synonymous variant.
Genome position (GRCh38, 1-based): chr2:151,663,689, G>A on the plus strand (C>T on the coding strand, the complement: NEB is on the minus strand). VCF-style: chr2-151663689-G-A. GRCh37 (hg19) VCF-style: chr2-152520203-G-A.
Other names: c.5622C>T, p.Asp1874= (NM_001164507.2, NM_001271208.2, NM_004543.5).
Identifiers: ClinVar variation 2164845 (VCV002164845.5), dbSNP rs1211262994, ClinGen allele CA429453236.